The following is an entry in ClinVar:

NM_015047.3(EMC1):c.598G>A (p.Val200Ile)

Gene: EMC1 (ER membrane protein complex subunit 1; minus strand). Cytogenetic location: 1p36.13.
Variant type: single nucleotide variant.
Coding change: c.598G>A on transcript NM_015047.3 (MANE Select); coding-DNA position 598, G replaced by A.
Protein change: p.Val200Ile; replaces valine 200 with isoleucine.
Molecular consequence: missense variant.
Genome position (GRCh38, 1-based): chr1:19,241,054, C>T on the plus strand (G>A on the coding strand, the complement: EMC1 is on the minus strand). VCF-style: chr1-19241054-C-T. GRCh37 (hg19) VCF-style: chr1-19567548-C-T.
Other names: c.598G>A, p.Val200Ile (NM_001271427.2, NM_001271428.2, NM_001375820.1 and 1 more transcripts); c.532G>A, p.Val178Ile (NM_001271429.2); c.598G>A (NM_015047.1); short protein forms V178I, V200I.
Identifiers: ClinVar variation 3689378 (VCV003689378.3).

ClinVar aggregate classification (germline): Uncertain significance. Review status: criteria provided, multiple submitters, no conflicts (2 of 4 stars). 2 submissions from 2 submitters: Uncertain significance (2). Last evaluated 2025-01-23.

Conditions:
Inborn genetic diseases. Identifiers: MedGen C0950123, MeSH D030342.

Submissions (2):

Ambry Genetics
Classification: Uncertain significance for Inborn genetic diseases. Last evaluated: 2025-01-23. Review status: criteria provided, single submitter. Criteria: Ambry Variant Classification Scheme 2023. Collection method: clinical testing. Allele origin: germline.

Labcorp Genetics (formerly Invitae), Labcorp
Classification: Uncertain significance. Last evaluated: 2024-03-15. Review status: criteria provided, single submitter. Criteria: Invitae Variant Classification Sherloc (09022015). Collection method: clinical testing. Allele origin: germline.
Comment: This sequence change replaces valine, which is neutral and non-polar, with isoleucine, which is neutral and non-polar, at codon 200 of the EMC1 protein (p.Val200Ile). This variant is present in population databases (rs766683974, gnomAD 0.0009%). This variant has not been reported in the literature in individuals affected with EMC1-related conditions. Advanced modeling of protein sequence and biophysical properties (such as structural, functional, and spatial information, amino acid conservation, physicochemical variation, residue mobility, and thermodynamic stability) performed at Invitae indicates that this missense variant is not expected to disrupt EMC1 protein function with a negative predictive value of 80%. In summary, the available evidence is currently insufficient to determine the role of this variant in disease. Therefore, it has been classified as a Variant of Uncertain Significance.